The following is an entry in ClinVar:

ClinVar aggregate classification (germline): Likely pathogenic (1 of 4 stars; one submission).

Conditions:
Legius syndrome. Identifiers: Orphanet 137605, MedGen C1969623, MONDO:0012669, OMIM 611431. Disease mechanism: loss of function.

Submission:

Institute of Human Genetics, University of Leipzig Medical Center
Classification: Likely pathogenic for Legius syndrome. Last evaluated: 2024-02-14. Review status: criteria provided, single submitter. Criteria: ACMG Guidelines, 2015. Collection method: clinical testing. Allele origin: unknown. Inheritance: Autosomal dominant inheritance. Affected: yes.
Comment: Criteria applied: PVS1,PM2_SUP

NM_152594.3(SPRED1):c.472C>T (p.Gln158Ter)

Gene: SPRED1 (sprouty related EVH1 domain containing 1; plus strand). Cytogenetic location: 15q14.
Variant type: single nucleotide variant.
Coding change: c.472C>T on transcript NM_152594.3 (MANE Select); coding-DNA position 472, C replaced by T.
Protein change: p.Gln158Ter; replaces glutamine 158 with a stop codon.
Molecular consequence: nonsense.
Genome position (GRCh38, 1-based): chr15:38,339,785, C>T. VCF-style: chr15-38339785-C-T. GRCh37 (hg19) VCF-style: chr15-38631986-C-T.
Other names: short protein forms Q158*.
Identifiers: ClinVar variation 3024533 (VCV003024533.2), dbSNP rs2542723680, ClinGen allele CA391932508.